The following is an entry in ClinVar:

NM_000138.5(FBN1):c.5489G>A (p.Ser1830Asn)

Gene: FBN1 (fibrillin 1; minus strand). Cytogenetic location: 15q21.1.
Variant type: single nucleotide variant.
Coding change: c.5489G>A on transcript NM_000138.5 (MANE Select); coding-DNA position 5489, G replaced by A.
Protein change: p.Ser1830Asn; replaces serine 1830 with asparagine.
Molecular consequence: missense variant.
Genome position (GRCh38, 1-based): chr15:48,452,618, C>T on the plus strand (G>A on the coding strand, the complement: FBN1 is on the minus strand). VCF-style: chr15-48452618-C-T. GRCh37 (hg19) VCF-style: chr15-48744815-C-T.
Other names: short protein forms S1830N.
Identifiers: ClinVar variation 927315 (VCV000927315.6), dbSNP rs2043209851, ClinGen allele CA392344211.

ClinVar aggregate classification (germline): Uncertain significance. Review status: criteria provided, multiple submitters, no conflicts (2 of 4 stars). 2 submissions from 2 submitters: Uncertain significance (2). Last evaluated 2024-09-06.

Conditions:
Familial thoracic aortic aneurysm and aortic dissection (TAAD). Also called: Thoracic aortic aneurysms and dissections. Identifiers: Orphanet 91387, MedGen C4707243, MONDO:0019625.

Submissions (2):

Centre of Medical Genetics, University of Antwerp
Classification: Uncertain significance for Familial thoracic aortic aneurysm and aortic dissection. Last evaluated: 2024-09-06. Review status: criteria provided, single submitter. Criteria: ACMG Guidelines, 2015. Collection method: clinical testing. Allele origin: germline. Affected: yes.

Color Diagnostics, LLC DBA Color Health
Classification: Uncertain significance for Familial thoracic aortic aneurysm and aortic dissection. Last evaluated: 2023-12-04. Review status: criteria provided, single submitter. Criteria: ACMG Guidelines, 2015. Collection method: clinical testing. Allele origin: germline.
Comment: Variant of Uncertain Significance due to insufficient evidence: This missense variant is located in the calcium-binding EGF-like motif 30 of the FBN1 protein. Computational prediction tools and conservation analyses are inconclusive regarding the impact of this variant on the protein function. Computational splicing tools suggest that this variant may not impact RNA splicing. To our knowledge, functional assays have not been performed for this variant nor has this variant been reported in individuals affected with cardiovascular disorders in the literature. This variant is rare in the general population and has been identified in 0/277264 chromosomes by the Genome Aggregation Database (gnomAD). Available evidence is insufficient to determine the pathogenicity of this variant conclusively.